The following is an entry in ClinVar:

ClinVar aggregate classification (germline): Uncertain significance. Review status: criteria provided, single submitter (1 of 4 stars). 2 submissions from 2 submitters: Uncertain significance (1). 1 of the submissions does not count toward it. Last evaluated 2017-04-03.

Conditions:
Ataxia-telangiectasia syndrome (AT). Also called: LOUIS-BAR SYNDROME; Cerebello-oculocutaneous telangiectasia; Immunodeficiency with ataxia telangiectasia; Ataxia-telangiectasia, complementation group D; AT, COMPLEMENTATION GROUP C; Ataxia-telangiectasia, complementation group E. Identifiers: Orphanet 100, MedGen C0004135, MONDO:0008840, OMIM 208900.

Submissions (2):

Labcorp Genetics (formerly Invitae), Labcorp
Classification: Uncertain significance for Ataxia-telangiectasia syndrome. Last evaluated: 2017-04-03. Review status: criteria provided, single submitter. Criteria: Invitae Variant Classification Sherloc (09022015). Collection method: clinical testing. Allele origin: germline.
Comment: In summary, this variant is a novel missense change that is not predicted to affect protein function. There is no indication that it causes disease, but the available evidence is currently insufficient to prove that conclusively. Therefore, it has been classified as a Variant of Uncertain Significance. Algorithms developed to predict the effect of missense changes on protein structure and function (SIFT, PolyPhen-2, Align-GVGD) all suggest that this variant is likely to be tolerated, but these predictions have not been confirmed by published functional studies. This variant is not present in population databases (ExAC no frequency) and has not been reported in the literature in individuals with a ATM-related disease. This sequence change replaces methionine with valine at codon 2503 of the ATM protein (p.Met2503Val). The methionine residue is moderately conserved and there is a small physicochemical difference between methionine and valine.

Natera, Inc.
Classification: Uncertain significance for Ataxia-telangiectasia. Last evaluated: 2021-10-18. Review status: no assertion criteria provided. Collection method: clinical testing. Allele origin: germline. Not counted in ClinVar's aggregate classification.

NM_000051.4(ATM):c.7507A>G (p.Met2503Val)

Genes: C11orf65 (chromosome 11 open reading frame 65; minus strand), ATM (ATM serine/threonine kinase; plus strand). Cytogenetic location: 11q22.3.
Variant type: single nucleotide variant.
Coding change: c.7507A>G on transcript NM_000051.4 (MANE Select); coding-DNA position 7507, A replaced by G.
Protein change: p.Met2503Val; replaces methionine 2503 with valine.
Molecular consequence: missense variant. On other transcripts: intron variant (2).
Genome position (GRCh38, 1-based): chr11:108,330,413, A>G. VCF-style: chr11-108330413-A-G. GRCh37 (hg19) VCF-style: chr11-108201140-A-G.
Other names: c.7507A>G, p.Met2503Val (NM_001351834.2); c.641-21342T>C (NM_001330368.2); c.*38+4807T>C (NM_001351110.2); short protein forms M2503V.
Identifiers: ClinVar variation 453688 (VCV000453688.20), dbSNP rs780931855, ClinGen allele CA382560594.